The following is an entry in ClinVar:

ClinVar aggregate classification (germline): Pathogenic/Likely pathogenic. Review status: criteria provided, multiple submitters, no conflicts (2 of 4 stars). 3 submissions from 3 submitters: Pathogenic (2); Likely pathogenic (1). Last evaluated 2025-05-09.

Conditions:
Galactosemia. Also called: Galactose intolerance. Identifiers: Orphanet 352, MedGen C0016952, MONDO:0018116, HP:0004919. Disease mechanism: loss of function.
Deficiency of UDPglucose-hexose-1-phosphate uridylyltransferase. Also called: GALACTOSE-1-PHOSPHATE URIDYLYLTRANSFERASE DEFICIENCY; GALACTOSEMIA I; Transferase Deficiency Galactosemia; GALT deficiency; Galactosemia, classic. Identifiers: Orphanet 352, Orphanet 79239, MedGen C0268151, MONDO:0009258, OMIM 230400.

Submissions (3):

Natera, Inc.
Classification: Likely pathogenic for Galactosemia. Last evaluated: 2025-05-09. Review status: criteria provided, single submitter. Criteria: Natera Variant Classification Schema (03/2026). Collection method: clinical testing. Allele origin: germline.
Comment: The c.382G>A variant in GALT is a missense variant predicted to cause substitution of valine to isoleucine at amino acid 128. This variant is rare in the general population with a frequency below the threshold expected for the associated phenotype(s). This variant has been observed in one or more individuals affected with the associated recessive disease, as either homozygous or compound heterozygous with a second variant (PMID: 22944367). This variant has been identified in one or more affected individuals with a phenotype highly consistent with the associated gene (PMID: 22944367). Computational prediction algorithms indicate this variant is likely to affect gene or protein function. Given the available evidence, this variant is classified as Likely Pathogenic.

Labcorp Genetics (formerly Invitae), Labcorp
Classification: Pathogenic for Deficiency of UDPglucose-hexose-1-phosphate uridylyltransferase. Last evaluated: 2023-05-19. Review status: criteria provided, single submitter. Criteria: Invitae Variant Classification Sherloc (09022015). Collection method: clinical testing. Allele origin: germline.
Comment: This sequence change replaces valine, which is neutral and non-polar, with isoleucine, which is neutral and non-polar, at codon 128 of the GALT protein (p.Val128Ile). This variant is not present in population databases (gnomAD no frequency). This missense change has been observed in individual(s) with galactosemia (PMID: 22944367, 31954591). Advanced modeling of protein sequence and biophysical properties (such as structural, functional, and spatial information, amino acid conservation, physicochemical variation, residue mobility, and thermodynamic stability) performed at Invitae indicates that this missense variant is expected to disrupt GALT protein function. For these reasons, this variant has been classified as Pathogenic.

Mayo Clinic Laboratories, Mayo Clinic
Classification: Pathogenic. Last evaluated: 2022-09-29. Review status: criteria provided, single submitter. Criteria: ACMG Guidelines, 2015. Collection method: clinical testing. Allele origin: germline. Observed: 1 variant allele.
Comment: PP3, PP4, PM2, PM3, PS3, PS4_moderate

Literature cited by the submitters: PubMed 22944367 (cited by 3 submitters); PubMed 31954591 (cited by Labcorp Genetics (formerly Invitae), Labcorp and Mayo Clinic Laboratories, Mayo Clinic); PubMed 25622686 (cited by Mayo Clinic Laboratories, Mayo Clinic); PubMed 28065439 (cited by Mayo Clinic Laboratories, Mayo Clinic); PubMed 30143026 (cited by Mayo Clinic Laboratories, Mayo Clinic); PubMed 31845337 (cited by Mayo Clinic Laboratories, Mayo Clinic).

NM_000155.4(GALT):c.382G>A (p.Val128Ile)

Gene: GALT (galactose-1-phosphate uridylyltransferase; plus strand). Cytogenetic location: 9p13.3.
Variant type: single nucleotide variant.
Coding change: c.382G>A on transcript NM_000155.4 (MANE Select); coding-DNA position 382, G replaced by A.
Protein change: p.Val128Ile; replaces valine 128 with isoleucine.
Molecular consequence: missense variant.
Genome position (GRCh38, 1-based): chr9:34,647,836, G>A. VCF-style: chr9-34647836-G-A. GRCh37 (hg19) VCF-style: chr9-34647833-G-A.
Other names: p.Val128Ile; c.55G>A, p.Val19Ile (NM_001258332.2); c.382G>A (NM_000155.3); short protein forms V128I, V19I.
Identifiers: ClinVar variation 2683620 (VCV002683620.6), dbSNP rs2492865820, ClinGen allele CA373280538.